The following is an entry in ClinVar:

ClinVar aggregate classification (germline): Likely pathogenic (1 of 4 stars; one submission).

Conditions:
Charcot-Marie-Tooth disease, axonal, type 2EE. Also called: CHARCOT-MARIE-TOOTH NEUROPATHY, TYPE 2EE. Identifiers: MedGen C5193076, MONDO:0032728, OMIM 618400.

Submission:

MGZ Medical Genetics Center
Classification: Likely pathogenic for Charcot-Marie-Tooth disease, axonal, type 2EE. Last evaluated: 2021-07-29. Review status: criteria provided, single submitter. Criteria: ACMG Guidelines, 2015. Collection method: clinical testing. Allele origin: germline. Affected: yes. Observed: 1 variant allele.
Comment: ACMG criteria applied: PVS1, PM2_SUP

NM_002437.5(MPV17):c.187-2A>T

Gene: MPV17 (mitochondrial inner membrane protein MPV17; minus strand). Cytogenetic location: 2p23.3.
Variant type: single nucleotide variant.
Coding change: c.187-2A>T on transcript NM_002437.5 (MANE Select); the canonical splice acceptor site of the intron before coding-DNA position 187, A replaced by T.
Molecular consequence: splice acceptor variant.
Genome position (GRCh38, 1-based): chr2:27,312,774, T>A on the plus strand (A>T on the coding strand, the complement: MPV17 is on the minus strand). VCF-style: chr2-27312774-T-A. GRCh37 (hg19) VCF-style: chr2-27535641-T-A.
Identifiers: ClinVar variation 1709846 (VCV001709846.2), dbSNP rs2465683526, ClinGen allele CA346209060.
Genomic context (GRCh38, chr2:27,312,774, plus strand): 5'-TTGGTGGTGCCAGGGATGAACCGATCCAAAACCTTGTACCAGCCTCCTACCACAGGGCCC[T>A]GGAAGTAAACCCCAGATAGCAGCAGGCTGCAGTGAGGGAGCCCTAGGCCTCTACCTCACT-3'